The following is an entry in ClinVar:

NM_000358.3(TGFBI):c.1201G>A (p.Gly401Ser)

Genes: TGFBI (transforming growth factor beta induced; plus strand), LOC126807519 (P300/CBP strongly-dependent group 1 enhancer GRCh37_chr5:135388921-135390120; plus strand). Cytogenetic location: 5q31.1.
Variant type: single nucleotide variant.
Coding change: c.1201G>A on transcript NM_000358.3 (MANE Select); coding-DNA position 1201, G replaced by A.
Protein change: p.Gly401Ser; replaces glycine 401 with serine.
Molecular consequence: missense variant.
Genome position (GRCh38, 1-based): chr5:136,054,017, G>A. VCF-style: chr5-136054017-G-A. GRCh37 (hg19) VCF-style: chr5-135389706-G-A.
Other names: short protein forms G401S.
Identifiers: ClinVar variation 4737849 (VCV004737849.1).

ClinVar aggregate classification (germline): Uncertain significance (1 of 4 stars; one submission).

gnomAD v4.1: 113 of 1,613,914 alleles (0.007%); highest among the groups gnomAD compares: Non-Finnish European, 0.0085%; no homozygotes.

Submission:

Labcorp Genetics (formerly Invitae), Labcorp
Classification: Uncertain significance. Last evaluated: 2025-05-20. Review status: criteria provided, single submitter. Criteria: Invitae Variant Classification Sherloc (09022015). Collection method: clinical testing. Allele origin: germline.
Comment: This sequence change replaces glycine, which is neutral and non-polar, with serine, which is neutral and polar, at codon 401 of the TGFBI protein (p.Gly401Ser). This variant is present in population databases (rs750693052, gnomAD 0.006%). This variant has not been reported in the literature in individuals affected with TGFBI-related conditions. Invitae Evidence Modeling of protein sequence and biophysical properties (such as structural, functional, and spatial information, amino acid conservation, physicochemical variation, residue mobility, and thermodynamic stability) indicates that this missense variant is not expected to disrupt TGFBI protein function with a negative predictive value of 80%. In summary, the available evidence is currently insufficient to determine the role of this variant in disease. Therefore, it has been classified as a Variant of Uncertain Significance.